The following is an entry in ClinVar:

ClinVar aggregate classification (germline): Uncertain significance. Review status: criteria provided, multiple submitters, no conflicts (2 of 4 stars). 2 submissions from 2 submitters: Uncertain significance (2). Last evaluated 2025-01-31.

Allele frequency attached by ClinVar (database versions not stated): ExAC 0.00002; gnomAD 0.00003 and 0.00004; TOPMed 0.00007.

Submissions (2):

Ambry Genetics
Classification: Uncertain significance. Last evaluated: 2025-01-31. Review status: criteria provided, single submitter. Criteria: Ambry Variant Classification Scheme 2023. Collection method: clinical testing. Allele origin: germline.

Labcorp Genetics (formerly Invitae), Labcorp
Classification: Uncertain significance. Last evaluated: 2023-11-27. Review status: criteria provided, single submitter. Criteria: Invitae Variant Classification Sherloc (09022015). Collection method: clinical testing. Allele origin: germline.
Comment: This sequence change replaces arginine, which is basic and polar, with histidine, which is basic and polar, at codon 429 of the GLYCTK protein (p.Arg429His). This variant is present in population databases (rs761904651, gnomAD 0.04%). This variant has not been reported in the literature in individuals affected with GLYCTK-related conditions. ClinVar contains an entry for this variant (Variation ID: 1364855). Advanced modeling of protein sequence and biophysical properties (such as structural, functional, and spatial information, amino acid conservation, physicochemical variation, residue mobility, and thermodynamic stability) performed at Invitae indicates that this missense variant is not expected to disrupt GLYCTK protein function with a negative predictive value of 80%. In summary, the available evidence is currently insufficient to determine the role of this variant in disease. Therefore, it has been classified as a Variant of Uncertain Significance.

NM_145262.4(GLYCTK):c.1286G>A (p.Arg429His)

Gene: GLYCTK (glycerate kinase; plus strand). Cytogenetic location: 3p21.2.
Variant type: single nucleotide variant.
Coding change: c.1286G>A on transcript NM_145262.4 (MANE Select); coding-DNA position 1286, G replaced by A.
Protein change: p.Arg429His; replaces arginine 429 with histidine.
Molecular consequence: missense variant. On other transcripts: 3 prime UTR variant (1), non-coding transcript variant (2).
Genome position (GRCh38, 1-based): chr3:52,292,840, G>A. VCF-style: chr3-52292840-G-A. GRCh37 (hg19) VCF-style: chr3-52326856-G-A.
Other names: c.*405G>A (NM_001144951.2); c.1286G>A (NM_145262.3); short protein forms R429H.
Identifiers: ClinVar variation 1364855 (VCV001364855.5), dbSNP rs761904651, ClinGen allele CA2432290.